The following is an entry in ClinVar:

ClinVar aggregate classification (germline): Uncertain significance (1 of 4 stars; one submission).

Conditions:
Hereditary cancer-predisposing syndrome. Also called: Hereditary Cancer Syndrome; Hereditary neoplastic syndrome; Neoplastic Syndromes, Hereditary; Tumor predisposition. Identifiers: Orphanet 140162, MedGen C0027672, MeSH D009386, MONDO:0015356.

Submission:

Ambry Genetics
Classification: Uncertain significance for Hereditary cancer-predisposing syndrome. Last evaluated: 2021-03-23. Review status: criteria provided, single submitter. Criteria: Ambry Variant Classification Scheme 2023. Collection method: clinical testing. Allele origin: germline.
Comment: The p.S2011P variant (also known as c.6031T>C), located in coding exon 15 of the APC gene, results from a T to C substitution at nucleotide position 6031. The serine at codon 2011 is replaced by proline, an amino acid with similar properties. This amino acid position is highly conserved through mammals but not in all available vertebrate species. In addition, in silico predictors for this gene do not accurately predict pathogenicity. Since supporting evidence is limited at this time, the clinical significance of this alteration remains unclear.

NM_000038.6(APC):c.6031T>C (p.Ser2011Pro)

Gene: APC (APC regulator of Wnt signaling pathway; plus strand). Cytogenetic location: 5q22.2.
Variant type: single nucleotide variant.
Coding change: c.6031T>C on transcript NM_000038.6 (MANE Select); coding-DNA position 6031, T replaced by C.
Protein change: p.Ser2011Pro; replaces serine 2011 with proline.
Molecular consequence: missense variant.
Genome position (GRCh38, 1-based): chr5:112,841,625, T>C. VCF-style: chr5-112841625-T-C. GRCh37 (hg19) VCF-style: chr5-112177322-T-C.
Other names: c.6031T>C, p.Ser2011Pro (NM_001127510.3, NM_001354895.2, NM_001407450.1); c.5977T>C, p.Ser1993Pro (NM_001127511.3); c.6085T>C, p.Ser2029Pro (NM_001354896.2, NM_001407447.1, NM_001407448.1 and 1 more transcripts); c.6061T>C, p.Ser2021Pro (NM_001354897.2); c.5956T>C, p.Ser1986Pro (NM_001354898.2); c.5947T>C, p.Ser1983Pro (NM_001354899.2); c.5908T>C, p.Ser1970Pro (NM_001354900.2); c.5854T>C, p.Ser1952Pro (NM_001354901.2, NM_001407453.1); and 11 more; short protein forms S1728P, S1920P, S1928P, S1627P, S2001P, S2021P, S2039P, S1851P.
Identifiers: ClinVar variation 1751186 (VCV001751186.2), dbSNP rs2149955295, ClinGen allele CA16034527.